The following is an entry in ClinVar:

NM_000127.3(EXT1):c.1465C>A (p.Pro489Thr)

Gene: EXT1 (exostosin glycosyltransferase 1; minus strand). Cytogenetic location: 8q24.11.
Variant type: single nucleotide variant.
Coding change: c.1465C>A on transcript NM_000127.3 (MANE Select); coding-DNA position 1465, C replaced by A.
Protein change: p.Pro489Thr; replaces proline 489 with threonine.
Molecular consequence: missense variant.
Genome position (GRCh38, 1-based): chr8:117,819,747, G>T on the plus strand (C>A on the coding strand, the complement: EXT1 is on the minus strand). VCF-style: chr8-117819747-G-T. GRCh37 (hg19) VCF-style: chr8-118831986-G-T.
Other names: short protein forms P489T.
Identifiers: ClinVar variation 2159358 (VCV002159358.4), dbSNP rs201112673, ClinGen allele CA4854131.

ClinVar aggregate classification (germline): Uncertain significance (1 of 4 stars; one submission).

Conditions:
Multiple congenital exostosis (EXT). Also called: Multiple osteochondromas; Hereditary multiple osteochondromas; MULTIPLE CARTILAGINOUS EXOSTOSES; Multiple exostoses; Hereditary multiple exostoses; Hereditary multiple exostosis. Identifiers: Orphanet 321, MedGen C0015306, MONDO:0005508, HP:0002762.

Allele frequency attached by ClinVar (database versions not stated): gnomAD exomes below 0.00001; gnomAD 0.00001; TOPMed 0.00001; 1000 Genomes Project 30x 0.00016; 1000 Genomes Project 0.00020.
gnomAD v4.1: 6 of 1,613,402 alleles (0.00037%); highest among the groups gnomAD compares: Admixed American, 0.0017%; no homozygotes.

Submission:

Labcorp Genetics (formerly Invitae), Labcorp
Classification: Uncertain significance for Multiple congenital exostosis. Last evaluated: 2022-10-31. Review status: criteria provided, single submitter. Criteria: Invitae Variant Classification Sherloc (09022015). Collection method: clinical testing. Allele origin: germline.
Comment: In summary, the available evidence is currently insufficient to determine the role of this variant in disease. Therefore, it has been classified as a Variant of Uncertain Significance. This variant has not been reported in the literature in individuals affected with EXT1-related conditions. Advanced modeling of protein sequence and biophysical properties (such as structural, functional, and spatial information, amino acid conservation, physicochemical variation, residue mobility, and thermodynamic stability) has been performed at Invitae for this missense variant, however the output from this modeling did not meet the statistical confidence thresholds required to predict the impact of this variant on EXT1 protein function. This sequence change replaces proline, which is neutral and non-polar, with threonine, which is neutral and polar, at codon 489 of the EXT1 protein (p.Pro489Thr). The frequency data for this variant in the population databases is considered unreliable, as metrics indicate poor data quality at this position in the gnomAD database.